The following is an entry in ClinVar:

NM_004260.4(RECQL4):c.837C>G (p.Ser279Arg)

Gene: RECQL4 (RecQ like helicase 4; minus strand). Cytogenetic location: 8q24.3.
Variant type: single nucleotide variant.
Coding change: c.837C>G on transcript NM_004260.4 (MANE Select); coding-DNA position 837, C replaced by G.
Protein change: p.Ser279Arg; replaces serine 279 with arginine.
Molecular consequence: missense variant.
Genome position (GRCh38, 1-based): chr8:144,516,282, G>C on the plus strand (C>G on the coding strand, the complement: RECQL4 is on the minus strand). VCF-style: chr8-144516282-G-C. GRCh37 (hg19) VCF-style: chr8-145741666-G-C.
Other names: short protein forms S279R.
Identifiers: ClinVar variation 942541 (VCV000942541.7), dbSNP rs1814966596, ClinGen allele CA372689009.

ClinVar aggregate classification (germline): Uncertain significance. Review status: criteria provided, multiple submitters, no conflicts (2 of 4 stars). 2 submissions from 2 submitters: Uncertain significance (2). Last evaluated 2025-01-17.

Conditions:
Inborn genetic diseases. Identifiers: MedGen C0950123, MeSH D030342.
Baller-Gerold syndrome (BGS). Also called: CRANIOSYNOSTOSIS WITH RADIAL DEFECTS. Identifiers: Orphanet 1225, MedGen C0265308, MONDO:0009039, OMIM 218600.

Submissions (2):

Ambry Genetics
Classification: Uncertain significance for Inborn genetic diseases. Last evaluated: 2025-01-17. Review status: criteria provided, single submitter. Criteria: Ambry Variant Classification Scheme 2023. Collection method: clinical testing. Allele origin: germline.
Comment: The p.S279R variant (also known as c.837C>G), located in coding exon 5 of the RECQL4 gene, results from a C to G substitution at nucleotide position 837. The serine at codon 279 is replaced by arginine, an amino acid with dissimilar properties. This amino acid position is conserved. In addition, this alteration is predicted to be tolerated by in silico analysis. Based on the available evidence, the clinical significance of this variant remains unclear.

Labcorp Genetics (formerly Invitae), Labcorp
Classification: Uncertain significance for Baller-Gerold syndrome. Last evaluated: 2022-11-08. Review status: criteria provided, single submitter. Criteria: Invitae Variant Classification Sherloc (09022015). Collection method: clinical testing. Allele origin: germline.
Comment: This variant is not present in population databases (gnomAD no frequency). In summary, the available evidence is currently insufficient to determine the role of this variant in disease. Therefore, it has been classified as a Variant of Uncertain Significance. Advanced modeling of protein sequence and biophysical properties (such as structural, functional, and spatial information, amino acid conservation, physicochemical variation, residue mobility, and thermodynamic stability) performed at Invitae indicates that this missense variant is not expected to disrupt RECQL4 protein function. ClinVar contains an entry for this variant (Variation ID: 942541). This variant has not been reported in the literature in individuals affected with RECQL4-related conditions. This sequence change replaces serine, which is neutral and polar, with arginine, which is basic and polar, at codon 279 of the RECQL4 protein (p.Ser279Arg).